The following is an entry in ClinVar:

NM_001873.4(CPE):c.566G>A (p.Arg189Gln)

Gene: CPE (carboxypeptidase E; plus strand). Cytogenetic location: 4q32.3.
Variant type: single nucleotide variant.
Coding change: c.566G>A on transcript NM_001873.4 (MANE Select); coding-DNA position 566, G replaced by A.
Protein change: p.Arg189Gln; replaces arginine 189 with glutamine.
Molecular consequence: missense variant.
Genome position (GRCh38, 1-based): chr4:165,467,749, G>A. VCF-style: chr4-165467749-G-A. GRCh37 (hg19) VCF-style: chr4-166388901-G-A.
Other names: short protein forms R189Q.
Identifiers: ClinVar variation 4977800 (VCV004977800.1).

ClinVar aggregate classification (germline): Uncertain significance (1 of 4 stars; one submission).

Conditions:
CPE-related disorder. Also called: CPE-related condition.

gnomAD v4.1: 42 of 1,613,392 alleles (0.0026%); highest among the groups gnomAD compares: East Asian, 0.0089%; no homozygotes.

Submission:

PreventionGenetics, part of Exact Sciences
Classification: Uncertain significance for CPE-related condition. Last evaluated: 2026-01-04. Review status: criteria provided, single submitter. Criteria: ACMG Guidelines, 2015. Collection method: clinical testing. Allele origin: germline.
Comment: The CPE c.566G>A variant is predicted to result in the amino acid substitution p.Arg189Gln. To our knowledge, this variant has not been reported in the literature. This variant is reported in 0.0040% of alleles in individuals of African descent in gnomAD. At this time, the clinical significance of this variant is uncertain due to the absence of conclusive functional and genetic evidence.